The following is an entry in ClinVar:

ClinVar aggregate classification (germline): Uncertain significance (1 of 4 stars; one submission).

Conditions:
Immunodeficiency, common variable, 10. Also called: DEFICIT IN ANTERIOR PITUITARY FUNCTION AND VARIABLE IMMUNODEFICIENCY; IMMUNODEFICIENCY, COMMON VARIABLE, WITH CENTRAL ADRENAL INSUFFICIENCY. Identifiers: MedGen C3809991, MONDO:0014260, OMIM 615577.

Allele frequency attached by ClinVar (database versions not stated): gnomAD 0.00001.
gnomAD v4.1: 17 of 1,595,686 alleles (0.0011%); highest among the groups gnomAD compares: Non-Finnish European, 0.0015%; no homozygotes.

Submission:

Labcorp Genetics (formerly Invitae), Labcorp
Classification: Uncertain significance for Immunodeficiency, common variable, 10. Last evaluated: 2025-08-06. Review status: criteria provided, single submitter. Criteria: Invitae Variant Classification Sherloc (09022015). Collection method: clinical testing. Allele origin: germline.
Comment: This sequence change replaces histidine, which is basic and polar, with tyrosine, which is neutral and polar, at codon 652 of the NFKB2 protein (p.His652Tyr). The frequency data for this variant in the population databases is considered unreliable, as metrics indicate poor data quality at this position in the gnomAD database. This variant has not been reported in the literature in individuals affected with NFKB2-related conditions. ClinVar contains an entry for this variant (Variation ID: 3007755). An algorithm developed to predict the effect of missense changes on protein structure and function (PolyPhen-2) suggests that this variant is likely to be disruptive. In summary, the available evidence is currently insufficient to determine the role of this variant in disease. Therefore, it has been classified as a Variant of Uncertain Significance.

NM_001322934.2(NFKB2):c.1954C>T (p.His652Tyr)

Gene: NFKB2 (nuclear factor kappa B subunit 2; plus strand). Cytogenetic location: 10q24.32.
Variant type: single nucleotide variant.
Coding change: c.1954C>T on transcript NM_001322934.2 (MANE Select); coding-DNA position 1954, C replaced by T.
Protein change: p.His652Tyr; replaces histidine 652 with tyrosine.
Molecular consequence: missense variant.
Genome position (GRCh38, 1-based): chr10:102,400,810, C>T. VCF-style: chr10-102400810-C-T. GRCh37 (hg19) VCF-style: chr10-104160567-C-T.
Other names: c.1954C>T, p.His652Tyr (NM_001077493.1, NM_001077494.3, NM_001261403.3 and 2 more transcripts); c.1828C>T, p.His610Tyr (NM_001322935.1); short protein forms H652Y, H610Y.
Identifiers: ClinVar variation 3007755 (VCV003007755.3), dbSNP rs1292161950, ClinGen allele CA377903340.